The following is an entry in ClinVar:

ClinVar aggregate classification (germline): Likely benign. Review status: criteria provided, multiple submitters, no conflicts (2 of 4 stars). 5 submissions from 5 submitters: Likely benign (5). Last evaluated 2026-04-10.

Conditions:
DICER1-related tumor predisposition. Also called: DICER1 syndrome; DICER1-related pleuropulmonary blastoma cancer predisposition syndrome. Identifiers: Orphanet 284343, MedGen C3839822, MONDO:0100216.

Allele frequency attached by ClinVar (database versions not stated): gnomAD 0.00003; TOPMed 0.00011; ESP Exome Variant Server 0.00023.

Submissions (5):

Myriad Genetics, Inc.
Classification: Likely benign for DICER1-related tumor predisposition. Last evaluated: 2026-04-10. Review status: criteria provided, single submitter. Criteria: Myriad Autosomal Dominant, Autosomal Recessive and X-Linked Classification Criteria (2023). Collection method: clinical testing. Allele origin: unknown.
Comment: This variant is considered likely benign. This variant is intronic and is not expected to impact mRNA splicing.

Labcorp Genetics (formerly Invitae), Labcorp
Classification: Likely benign for DICER1-related tumor predisposition. Last evaluated: 2026-02-02. Review status: criteria provided, single submitter. Criteria: Invitae Variant Classification Sherloc (09022015). Collection method: clinical testing. Allele origin: germline.

Center for Genomic Medicine, Rigshospitalet, Copenhagen University Hospital
Classification: Likely benign. Last evaluated: 2025-03-04. Review status: criteria provided, single submitter. Criteria: ACMG Guidelines, 2015. Collection method: clinical testing. Allele origin: germline.

Blueprint Genetics
Classification: Likely benign. Last evaluated: 2024-09-07. Review status: criteria provided, single submitter. Criteria: ACMG Guidelines, 2015. Collection method: clinical testing. Allele origin: germline.

PreventionGenetics, part of Exact Sciences
Classification: Likely benign. Review status: criteria provided, single submitter. Criteria: ACMG Guidelines, 2015. Collection method: clinical testing. Allele origin: germline.

NM_177438.3(DICER1):c.574-19G>T

Gene: DICER1 (dicer 1, ribonuclease III; minus strand). Cytogenetic location: 14q32.13.
Variant type: single nucleotide variant.
Coding change: c.574-19G>T on transcript NM_177438.3 (MANE Select); 19 bases into the intron before coding-DNA position 574, G replaced by T.
Molecular consequence: intron variant.
Genome position (GRCh38, 1-based): chr14:95,129,651, C>A on the plus strand (G>T on the coding strand, the complement: DICER1 is on the minus strand). VCF-style: chr14-95129651-C-A. GRCh37 (hg19) VCF-style: chr14-95595988-C-A.
Other names: c.574-19G>T (NM_001291628.2, NM_030621.4, NM_001271282.3 and 1 more transcripts).
Identifiers: ClinVar variation 261927 (VCV000261927.18), dbSNP rs372965421, ClinGen allele CA7331621.